The following is an entry in ClinVar:

ClinVar aggregate classification (germline): Likely benign (1 of 4 stars; one submission).

Submission:

CeGaT Center for Human Genetics Tuebingen
Classification: Likely benign. Last evaluated: 2025-11-01. Review status: criteria provided, single submitter. Criteria: CeGaT Center For Human Genetics Tuebingen Variant Classification Criteria Version 2. Collection method: clinical testing. Allele origin: germline. Affected: yes. Observed: 1 variant allele.
Comment: BMP4: PM2:Supporting, BP4, BP7

NM_001202.6(BMP4):c.573G>A (p.Val191=)

Gene: BMP4 (bone morphogenetic protein 4; minus strand). Cytogenetic location: 14q22.2.
Variant type: single nucleotide variant.
Coding change: c.573G>A on transcript NM_001202.6 (MANE Select); coding-DNA position 573, G replaced by A.
Protein change: p.Val191=; no amino-acid change (valine 191 retained).
Molecular consequence: synonymous variant.
Genome position (GRCh38, 1-based): chr14:53,950,686, C>T on the plus strand (G>A on the coding strand, the complement: BMP4 is on the minus strand). VCF-style: chr14-53950686-C-T. GRCh37 (hg19) VCF-style: chr14-54417404-C-T.
Other names: c.714G>A, p.Val238= (NM_001347912.1); c.384G>A, p.Val128= (NM_001347913.2, NM_001347915.2, NM_001347917.1); c.573G>A, p.Val191= (NM_001347914.2, NM_001347916.1, NM_130850.5 and 1 more transcripts).
Identifiers: ClinVar variation 4535113 (VCV004535113.6).